The following is an entry in ClinVar:

ClinVar aggregate classification (germline): Pathogenic (1 of 4 stars; one submission).

Conditions:
Fanconi anemia (FA). Also called: Fanconi's anemia. Identifiers: Orphanet 84, MedGen C0015625, MeSH D005199, MONDO:0019391.

Submission:

Labcorp Genetics (formerly Invitae), Labcorp
Classification: Pathogenic for Fanconi anemia. Last evaluated: 2025-12-09. Review status: criteria provided, single submitter. Criteria: Invitae Variant Classification Sherloc (09022015). Collection method: clinical testing. Allele origin: germline.
Comment: This sequence change creates a premature translational stop signal (p.Leu303Argfs*5) in the FANCG gene. It is expected to result in an absent or disrupted protein product. Loss-of-function variants in FANCG are known to be pathogenic (PMID: 12552564). This variant is not present in population databases (gnomAD no frequency). This variant has not been reported in the literature in individuals affected with FANCG-related conditions. For these reasons, this variant has been classified as Pathogenic.

Literature cited by the submitters: PubMed 12552564.

NM_004629.2(FANCG):c.908_909del (p.Leu303fs)

Gene: FANCG (FA complementation group G; minus strand). Cytogenetic location: 9p13.3.
Variant type: Deletion.
Coding change: c.908_909del on transcript NM_004629.2 (MANE Select); coding-DNA positions 908 to 909, 2 bases deleted (TG; older notation c.908_909delTG).
Protein change: p.Leu303fs; shifts the reading frame from leucine 303.
Molecular consequence: frameshift variant.
Genome position (GRCh38, 1-based): chr9:35,076,739-35,076,740, CA deleted on the plus strand (TG on the coding strand, the reverse complement: FANCG is on the minus strand). VCF-style (leftmost placement, unchanged base first): chr9-35076738-CCA-C. GRCh37 (hg19) VCF-style: chr9-35076735-CCA-C.
Other names: short protein forms L303fs.
Identifiers: ClinVar variation 4805296 (VCV004805296.1).